The following is an entry in ClinVar:

ClinVar aggregate classification (germline): Conflicting classifications of pathogenicity. Review status: criteria provided, conflicting classifications (1 of 4 stars). 2 submissions from 2 submitters: Uncertain significance (1); Likely benign (1). Last evaluated 2023-04-01.

gnomAD v4.1: 24 of 1,613,966 alleles (0.0015%); highest among the groups gnomAD compares: Non-Finnish European, 0.0019%; no homozygotes.

Submissions (2):

CeGaT Center for Human Genetics Tuebingen
Classification: Likely benign. Last evaluated: 2023-04-01. Review status: criteria provided, single submitter. Criteria: CeGaT Center For Human Genetics Tuebingen Variant Classification Criteria Version 2. Collection method: clinical testing. Allele origin: germline. Affected: yes. Observed: 1 variant allele.
Comment: SLC25A12: BP4

Labcorp Genetics (formerly Invitae), Labcorp
Classification: Uncertain significance. Last evaluated: 2022-08-06. Review status: criteria provided, single submitter. Criteria: Invitae Variant Classification Sherloc (09022015). Collection method: clinical testing. Allele origin: germline.
Comment: This sequence change replaces histidine, which is basic and polar, with glutamine, which is neutral and polar, at codon 515 of the SLC25A12 protein (p.His515Gln). This variant is present in population databases (rs746499102, gnomAD 0.004%). This variant has not been reported in the literature in individuals affected with SLC25A12-related conditions. Algorithms developed to predict the effect of missense changes on protein structure and function (SIFT, PolyPhen-2, Align-GVGD) all suggest that this variant is likely to be tolerated. Algorithms developed to predict the effect of sequence changes on RNA splicing suggest that this variant may disrupt the consensus splice site. In summary, the available evidence is currently insufficient to determine the role of this variant in disease. Therefore, it has been classified as a Variant of Uncertain Significance.

NM_003705.5(SLC25A12):c.1545C>G (p.His515Gln)

Gene: SLC25A12 (solute carrier family 25 member 12; minus strand). Cytogenetic location: 2q31.1.
Variant type: single nucleotide variant.
Coding change: c.1545C>G on transcript NM_003705.5 (MANE Select); coding-DNA position 1545, C replaced by G.
Protein change: p.His515Gln; replaces histidine 515 with glutamine.
Molecular consequence: missense variant. On other transcripts: non-coding transcript variant (1).
Genome position (GRCh38, 1-based): chr2:171,791,491, G>C on the plus strand (C>G on the coding strand, the complement: SLC25A12 is on the minus strand). VCF-style: chr2-171791491-G-C. GRCh37 (hg19) VCF-style: chr2-172648001-G-C.
Other names: short protein forms H515Q.
Identifiers: ClinVar variation 2138414 (VCV002138414.25), dbSNP rs746499102, ClinGen allele CA1966089.